The following is an entry in ClinVar:

NM_024870.4(PREX2):c.1819T>C (p.Leu607=)

Gene: PREX2 (phosphatidylinositol-3,4,5-trisphosphate dependent Rac exchange factor 2; plus strand). Cytogenetic location: 8q13.2.
Variant type: single nucleotide variant.
Coding change: c.1819T>C on transcript NM_024870.4 (MANE Select); coding-DNA position 1819, T replaced by C.
Protein change: p.Leu607=; no amino-acid change (leucine 607 retained).
Molecular consequence: synonymous variant.
Genome position (GRCh38, 1-based): chr8:68,080,779, T>C. VCF-style: chr8-68080779-T-C. GRCh37 (hg19) VCF-style: chr8-68993014-T-C.
Other names: c.1819T>C, p.Leu607= (NM_025170.6).
Identifiers: ClinVar variation 3061030 (VCV003061030.2), dbSNP rs12680555, ClinGen allele CA4773752.

ClinVar aggregate classification (germline): Benign (0 of 4 stars; one submission).

Conditions:
PREX2-related disorder. Also called: PREX2-related condition.

Allele frequency attached by ClinVar (database versions not stated): 1000 Genomes Project 0.52396; ExAC 0.52443; 1000 Genomes Project 30x 0.52452; TOPMed 0.52594; gnomAD exomes 0.53247; gnomAD 0.53332; ESP Exome Variant Server 0.54062.
gnomAD v4.1: 819,332 of 1,539,698 alleles (53%); highest among the groups gnomAD compares: South Asian, 56%; 220,880 homozygotes.

Submission:

PreventionGenetics, part of Exact Sciences
Classification: Benign for PREX2-related condition. Last evaluated: 2019-10-21. Review status: no assertion criteria provided. Collection method: clinical testing. Allele origin: germline.
Comment: This variant is classified as benign based on ACMG/AMP sequence variant interpretation guidelines (Richards et al. 2015 PMID: 25741868, with internal and published modifications).